The following is an entry in ClinVar:

ClinVar aggregate classification (germline): Likely benign. Review status: criteria provided, multiple submitters, no conflicts (2 of 4 stars). 2 submissions from 2 submitters: Likely benign (2). Last evaluated 2025-01-23.

Conditions:
Hereditary nonpolyposis colorectal neoplasms. Identifiers: MedGen C0009405, MeSH D003123.
Lynch syndrome 4 (LYNCH4). Also called: Colorectal cancer, hereditary nonpolyposis, type 4; Hereditary non-polyposis colorectal cancer, type 4. Identifiers: Orphanet 144, MedGen C1838333, MONDO:0013699, OMIM 614337. Disease mechanism: loss of function.

Submissions (2):

Myriad Genetics, Inc.
Classification: Likely benign for Lynch syndrome 4. Last evaluated: 2025-01-23. Review status: criteria provided, single submitter. Criteria: Myriad Autosomal Dominant, Autosomal Recessive and X-Linked Classification Criteria (2023). Collection method: clinical testing. Allele origin: unknown.
Comment: This variant is considered likely benign. This variant is intronic and is not expected to impact mRNA splicing.

Labcorp Genetics (formerly Invitae), Labcorp
Classification: Likely benign for Hereditary nonpolyposis colorectal neoplasms. Last evaluated: 2019-04-25. Review status: criteria provided, single submitter. Criteria: Invitae Variant Classification Sherloc (09022015). Collection method: clinical testing. Allele origin: germline.

NM_000535.7(PMS2):c.163+9G>A

Gene: PMS2 (PMS1 homolog 2, mismatch repair system component; minus strand). Cytogenetic location: 7p22.1.
Variant type: single nucleotide variant.
Coding change: c.163+9G>A on transcript NM_000535.7 (MANE Select); 9 bases into the intron after coding-DNA position 163, G replaced by A.
Molecular consequence: intron variant.
Genome position (GRCh38, 1-based): chr7:6,005,883, C>T on the plus strand (G>A on the coding strand, the complement: PMS2 is on the minus strand). VCF-style: chr7-6005883-C-T. GRCh37 (hg19) VCF-style: chr7-6045514-C-T.
Other names: c.-52-1825G>A (NM_001322008.2); c.-242-1825G>A (NM_001322010.2, NM_001322004.2); c.-243+9G>A (NM_001322013.2, NM_001322003.2, NM_001322009.2 and 1 more transcripts); c.-722+9G>A (NM_001322012.2, NM_001322011.2); c.-322+9G>A (NM_001322015.2); c.-53+9G>A (NM_001322007.2); c.163+9G>A (NM_001322006.2, NM_001322014.2).
Identifiers: ClinVar variation 1133805 (VCV001133805.10), dbSNP rs2128843463, ClinGen allele CA2499218991.